The following is an entry in ClinVar:

ClinVar aggregate classification (germline): Uncertain significance (1 of 4 stars; one submission).

gnomAD v4.1: 1 of 152,122 alleles (0.00066%); highest among the groups gnomAD compares: Non-Finnish European, 0.0015%; no homozygotes.

Submission:

Greenwood Genetic Center Diagnostic Laboratories, Greenwood Genetic Center
Classification: Uncertain significance. Last evaluated: 2025-12-30. Review status: criteria provided, single submitter. Criteria: ACMG Guidelines, 2015. Collection method: clinical testing. Allele origin: germline. Affected: yes.
Comment: PM2, BP4

NM_001277115.2(DNAH11):c.10026+4530C>G

Gene: DNAH11 (dynein axonemal heavy chain 11; plus strand). Cytogenetic location: 7p15.3.
Variant type: single nucleotide variant.
Coding change: c.10026+4530C>G on transcript NM_001277115.2 (MANE Select); 4530 bases into the intron after coding-DNA position 10026, C replaced by G.
Molecular consequence: intron variant.
Genome position (GRCh38, 1-based): chr7:21,793,872, C>G. VCF-style: chr7-21793872-C-G. GRCh37 (hg19) VCF-style: chr7-21833490-C-G.
Identifiers: ClinVar variation 4845558 (VCV004845558.1).
Genomic context (GRCh38, chr7:21,793,872, plus strand): 5'-AGATCTATTCATGTTTATTATATATACTTCTTTCTTTGAACAAGCTTTCTACATCTTGCT[C>G]TTTTTAAACTCCCTCTTGAACTCCAGTGACTGTTAGATGTGCTCTTTTGAGGTCATTCTC-3'